The following is an entry in ClinVar:

ClinVar aggregate classification (germline): Likely benign. Review status: criteria provided, multiple submitters, no conflicts (2 of 4 stars). 6 submissions from 6 submitters: Likely benign (3). 3 of the submissions do not count toward it. Last evaluated 2026-09-01.

Conditions:
MEGF8-related disorder. Also called: MEGF8-related condition.
MEGF8-related Carpenter syndrome. Also called: Carpenter syndrome 2. Identifiers: Orphanet 65759, MedGen C3554247, MONDO:0013998, OMIM 614976.

Allele frequency attached by ClinVar (database versions not stated): 1000 Genomes Project 0.00260; 1000 Genomes Project 30x 0.00281; gnomAD 0.00308 and 0.00324; ESP Exome Variant Server 0.00338; ExAC 0.00497.
gnomAD v4.1: 7,932 of 1,610,068 alleles (0.49%); highest among the groups gnomAD compares: Middle Eastern, 0.74%; 24 homozygotes.

Submissions (6):

CeGaT Center for Human Genetics Tuebingen
Classification: Likely benign. Last evaluated: 2026-09-01. Review status: criteria provided, single submitter. Criteria: CeGaT Center For Human Genetics Tuebingen Variant Classification Criteria Version 2. Collection method: clinical testing. Allele origin: germline. Affected: yes. Observed: 17 variant alleles.
Comment: MEGF8: BS2

Labcorp Genetics (formerly Invitae), Labcorp
Classification: Likely benign for MEGF8-related Carpenter syndrome. Last evaluated: 2026-01-26. Review status: criteria provided, single submitter. Criteria: Invitae Variant Classification Sherloc (09022015). Collection method: clinical testing. Allele origin: germline.

Breakthrough Genomics
Classification: Likely benign. Review status: criteria provided, single submitter. Criteria: ACMG Guidelines, 2015. Collection method: not provided. Allele origin: germline. Inheritance: Autosomal recessive inheritance. Affected: yes.

PreventionGenetics, part of Exact Sciences
Classification: Likely benign for MEGF8-related condition. Last evaluated: 2020-02-24. Review status: no assertion criteria provided. Collection method: clinical testing. Allele origin: germline. Not counted in ClinVar's aggregate classification.
Comment: This variant is classified as likely benign based on ACMG/AMP sequence variant interpretation guidelines (Richards et al. 2015 PMID: 25741868, with internal and published modifications).

Clinical Genetics DNA and cytogenetics Diagnostics Lab, Erasmus MC, Erasmus Medical Center
Classification: Likely benign. Review status: no assertion criteria provided. Collection method: clinical testing. Allele origin: germline. Affected: yes. Study: VKGL Data-share Consensus. Not counted in ClinVar's aggregate classification.

Laboratory of Diagnostic Genome Analysis, Leiden University Medical Center (LUMC)
Classification: Likely benign. Review status: no assertion criteria provided. Collection method: clinical testing. Allele origin: germline. Affected: yes. Study: VKGL Data-share Consensus. Not counted in ClinVar's aggregate classification.

NM_001271938.2(MEGF8):c.7421G>A (p.Arg2474His)

Gene: MEGF8 (multiple EGF like domains 8; plus strand). Cytogenetic location: 19q13.2.
Variant type: single nucleotide variant.
Coding change: c.7421G>A on transcript NM_001271938.2 (MANE Select); coding-DNA position 7421, G replaced by A.
Protein change: p.Arg2474His; replaces arginine 2474 with histidine.
Molecular consequence: missense variant.
Genome position (GRCh38, 1-based): chr19:42,375,658, G>A. VCF-style: chr19-42375658-G-A. GRCh37 (hg19) VCF-style: chr19-42879810-G-A.
Other names: c.7220G>A, p.Arg2407His (NM_001410.3); short protein forms R2407H, R2474H.
Identifiers: ClinVar variation 473346 (VCV000473346.37), dbSNP rs45623135, ClinGen allele CA9476172.